The following is an entry in ClinVar:

NM_019842.4(KCNQ5):c.352G>C (p.Val118Leu)

Genes: KCNQ5 (potassium voltage-gated channel subfamily Q member 5; plus strand), KCNQ5-DT (KCNQ5 divergent transcript; minus strand). Cytogenetic location: 6q13.
Variant type: single nucleotide variant.
Coding change: c.352G>C on transcript NM_019842.4 (MANE Select); coding-DNA position 352, G replaced by C.
Protein change: p.Val118Leu; replaces valine 118 with leucine.
Molecular consequence: missense variant.
Genome position (GRCh38, 1-based): chr6:72,622,541, G>C. VCF-style: chr6-72622541-G-C. GRCh37 (hg19) VCF-style: chr6-73332269-G-C.
Other names: c.352G>C, p.Val118Leu (NM_001160130.2, NM_001160132.2, NM_001160133.2 and 1 more transcripts); short protein forms V118L.
Identifiers: ClinVar variation 2573672 (VCV002573672.1), dbSNP rs763878135, ClinGen allele CA364824667.

ClinVar aggregate classification (germline): Uncertain significance (1 of 4 stars; one submission).

gnomAD v4.1: 1 of 1,611,876 alleles (0.000062%); highest among the groups gnomAD compares: Non-Finnish European, 0.000085%; no homozygotes.

Submission:

GeneDx
Classification: Uncertain significance. Last evaluated: 2023-01-09. Review status: criteria provided, single submitter. Criteria: GeneDx Variant Classification Process June 2021. Collection method: clinical testing. Allele origin: germline. Affected: yes.
Comment: Not observed at significant frequency in large population cohorts (gnomAD); In silico analysis supports that this missense variant does not alter protein structure/function; Has not been previously published as pathogenic or benign to our knowledge